The following is an entry in ClinVar:

ClinVar aggregate classification (germline): Uncertain significance (1 of 4 stars; one submission).

Conditions:
Pheochromocytoma. Also called: MAX-Related Hereditary Paraganglioma-Pheochromocytoma Syndrome. Identifiers: Orphanet 29072, MedGen C0031511, MONDO:0008233, OMIM 171300, HP:0002666.
Gastrointestinal stromal tumor. Also called: Gastrointestinal stromal tumor, somatic; Gastrointestinal stroma tumor. Identifiers: Orphanet 44890, MedGen C0238198, MeSH D046152, MONDO:0011719, OMIM 606764, HP:0100723.
Pheochromocytoma/paraganglioma syndrome 4. Also called: CAROTID BODY TUMORS AND MULTIPLE EXTRAADRENAL PHEOCHROMOCYTOMAS; PARAGANGLIOMA, FAMILIAL MALIGNANT; PARAGANGLIOMAS, HEREDITARY EXTRAADRENAL; PHEOCHROMOCYTOMA, FAMILIAL EXTRAADRENAL; Paragangliomas 4; SDHB-Related Hereditary Paraganglioma-Pheochromocytoma Syndrome (Paragangliomas 4). Identifiers: Orphanet 29072, MedGen C1861848, MONDO:0007273, OMIM 115310.

Submission:

Labcorp Genetics (formerly Invitae), Labcorp
Classification: Uncertain significance for Gastrointestinal stromal tumor; Pheochromocytoma/paraganglioma syndrome 4; Pheochromocytoma. Last evaluated: 2024-01-30. Review status: criteria provided, single submitter. Criteria: Invitae Variant Classification Sherloc (09022015). Collection method: clinical testing. Allele origin: germline.
Comment: This sequence change replaces isoleucine, which is neutral and non-polar, with phenylalanine, which is neutral and non-polar, at codon 105 of the SDHB protein (p.Ile105Phe). This variant is not present in population databases (gnomAD no frequency). This variant has not been reported in the literature in individuals affected with SDHB-related conditions. Advanced modeling of protein sequence and biophysical properties (such as structural, functional, and spatial information, amino acid conservation, physicochemical variation, residue mobility, and thermodynamic stability) performed at Invitae indicates that this missense variant is expected to disrupt SDHB protein function with a positive predictive value of 80%. In summary, the available evidence is currently insufficient to determine the role of this variant in disease. Therefore, it has been classified as a Variant of Uncertain Significance.

NM_003000.3(SDHB):c.313A>T (p.Ile105Phe)

Gene: SDHB (succinate dehydrogenase complex iron sulfur subunit B; minus strand). Cytogenetic location: 1p36.13.
Variant type: single nucleotide variant.
Coding change: c.313A>T on transcript NM_003000.3 (MANE Select); coding-DNA position 313, A replaced by T.
Protein change: p.Ile105Phe; replaces isoleucine 105 with phenylalanine.
Molecular consequence: missense variant.
Genome position (GRCh38, 1-based): chr1:17,028,710, T>A on the plus strand (A>T on the coding strand, the complement: SDHB is on the minus strand). VCF-style: chr1-17028710-T-A. GRCh37 (hg19) VCF-style: chr1-17355205-T-A.
Other names: c.313A>T, p.Ile105Phe (NM_001407361.1); short protein forms I105F.
Identifiers: ClinVar variation 2922720 (VCV002922720.3), dbSNP rs1356656612, ClinGen allele CA338274990.